The following is an entry in ClinVar:

ClinVar aggregate classification (germline): Uncertain significance (1 of 4 stars; one submission).

Allele frequency attached by ClinVar (database versions not stated): gnomAD 0.00001 and 0.00002.
gnomAD v4.1: 10 of 1,611,674 alleles (0.00062%); highest among the groups gnomAD compares: African/African-American, 0.011%; no homozygotes.

Submission:

Labcorp Genetics (formerly Invitae), Labcorp
Classification: Uncertain significance. Last evaluated: 2025-02-10. Review status: criteria provided, single submitter. Criteria: Invitae Variant Classification Sherloc (09022015). Collection method: clinical testing. Allele origin: germline.
Comment: This sequence change replaces threonine, which is neutral and polar, with isoleucine, which is neutral and non-polar, at codon 593 of the MBTPS1 protein (p.Thr593Ile). This variant is present in population databases (rs552351105, gnomAD 0.01%). This variant has not been reported in the literature in individuals affected with MBTPS1-related conditions. ClinVar contains an entry for this variant (Variation ID: 1376123). An algorithm developed to predict the effect of missense changes on protein structure and function outputs the following: PolyPhen-2: "Benign". The isoleucine amino acid residue is found in multiple mammalian species, which suggests that this missense change does not adversely affect protein function. In summary, the available evidence is currently insufficient to determine the role of this variant in disease. Therefore, it has been classified as a Variant of Uncertain Significance.

NM_003791.4(MBTPS1):c.1778C>T (p.Thr593Ile)

Gene: MBTPS1 (membrane bound transcription factor peptidase, site 1; minus strand). Cytogenetic location: 16q23.3.
Variant type: single nucleotide variant.
Coding change: c.1778C>T on transcript NM_003791.4 (MANE Select); coding-DNA position 1778, C replaced by T.
Protein change: p.Thr593Ile; replaces threonine 593 with isoleucine.
Molecular consequence: missense variant.
Genome position (GRCh38, 1-based): chr16:84,070,592, G>A on the plus strand (C>T on the coding strand, the complement: MBTPS1 is on the minus strand). VCF-style: chr16-84070592-G-A. GRCh37 (hg19) VCF-style: chr16-84104197-G-A.
Other names: short protein forms T593I.
Identifiers: ClinVar variation 1376123 (VCV001376123.6), dbSNP rs552351105, ClinGen allele CA285451523.